The following is an entry in ClinVar:

NM_002900.3(RBP3):c.3175G>A (p.Val1059Ile)

Gene: RBP3 (retinol binding protein 3; plus strand). Cytogenetic location: 10q11.22.
Variant type: single nucleotide variant.
Coding change: c.3175G>A on transcript NM_002900.3 (MANE Select); coding-DNA position 3175, G replaced by A.
Protein change: p.Val1059Ile; replaces valine 1059 with isoleucine.
Molecular consequence: missense variant.
Genome position (GRCh38, 1-based): chr10:47,353,445, G>A. VCF-style: chr10-47353445-G-A. GRCh37 (hg19) VCF-style: chr10-48385917-C-T.
Other names: short protein forms V1059I.
Identifiers: ClinVar variation 208324 (VCV000208324.9), dbSNP rs864622002, ClinGen allele CA350912.

ClinVar aggregate classification (germline): Uncertain significance. Review status: criteria provided, single submitter (1 of 4 stars). 2 submissions from 2 submitters: Uncertain significance (1). 1 of the submissions does not count toward it. Last evaluated 2020-08-26.

Conditions:
Retinitis pigmentosa 66 (RP66). Identifiers: Orphanet 791, MedGen C3715216, MONDO:0014093, OMIM 615233.

Submissions (2):

Labcorp Genetics (formerly Invitae), Labcorp
Classification: Uncertain significance. Last evaluated: 2020-08-26. Review status: criteria provided, single submitter. Criteria: Invitae Variant Classification Sherloc (09022015). Collection method: clinical testing. Allele origin: germline.
Comment: In summary, the available evidence is currently insufficient to determine the role of this variant in disease. Therefore, it has been classified as a Variant of Uncertain Significance. Algorithms developed to predict the effect of missense changes on protein structure and function (SIFT, PolyPhen-2, Align-GVGD) all suggest that this variant is likely to be tolerated, but these predictions have not been confirmed by published functional studies and their clinical significance is uncertain. This variant has been observed in individual(s) with retinitis pigmentosa (PMID: 19074801). ClinVar contains an entry for this variant (Variation ID: 208324). This variant is not present in population databases (ExAC no frequency). This sequence change replaces valine with isoleucine at codon 1059 of the RBP3 protein (p.Val1059Ile). The valine residue is highly conserved and there is a small physicochemical difference between valine and isoleucine.

ClinVar Staff, National Center for Biotechnology Information (NCBI)
Classification: Uncertain significance for Retinitis pigmentosa 66. Last evaluated: 2013-06-27. Review status: no assertion criteria provided. Collection method: literature only. Allele origin: germline. Affected: yes. Not counted in ClinVar's aggregate classification.

Literature cited by the submitters: PubMed 19074801 (cited by Labcorp Genetics (formerly Invitae), Labcorp and ClinVar Staff, National Center for Biotechnology Information (NCBI)).